The following is an entry in ClinVar:

NM_001197104.2(KMT2A):c.3452G>A (p.Arg1151Gln)

Gene: KMT2A (lysine methyltransferase 2A; plus strand). Cytogenetic location: 11q23.3.
Variant type: single nucleotide variant.
Coding change: c.3452G>A on transcript NM_001197104.2 (MANE Select); coding-DNA position 3452, G replaced by A.
Protein change: p.Arg1151Gln; replaces arginine 1151 with glutamine.
Molecular consequence: missense variant.
Genome position (GRCh38, 1-based): chr11:118,478,084, G>A. VCF-style: chr11-118478084-G-A. GRCh37 (hg19) VCF-style: chr11-118348799-G-A.
Other names: c.3452G>A, p.Arg1151Gln (NM_005933.4); short protein forms R1151Q.
Identifiers: ClinVar variation 452735 (VCV000452735.2), dbSNP rs1555038083, ClinGen allele CA382824736.

ClinVar aggregate classification (germline): Likely pathogenic (1 of 4 stars; one submission).

Allele frequency attached by ClinVar (database versions not stated): TOPMed below 0.00001.

Submission:

GeneDx
Classification: Likely pathogenic. Last evaluated: 2017-10-23. Review status: criteria provided, single submitter. Criteria: GeneDx Variant Classification (06012015). Collection method: clinical testing. Allele origin: germline. Affected: yes.
Comment: The R1151Q variant in the KMT2A gene has not been reported previously as a pathogenic variant, nor as a benign variant, to our knowledge. The R1151Q variant is not observed in large population cohorts (Lek et al., 2016). The R1151Q variant is a semi-conservative amino acid substitution, which may impact secondary protein structure as these residues differ in some properties. This substitution occurs at a position that is conserved across species, and in silico analysis predicts this variant is probably damaging to the protein structure/function. We interpret R1151Q as a likely pathogenic variant.